The following is an entry in ClinVar:

ClinVar aggregate classification (germline): Pathogenic/Likely pathogenic. Review status: criteria provided, multiple submitters, no conflicts (2 of 4 stars). 2 submissions from 2 submitters: Pathogenic (1); Likely pathogenic (1). Last evaluated 2023-12-19.

Conditions:
Short-rib thoracic dysplasia 14 with polydactyly (SRTD14). Identifiers: Orphanet 397715, MedGen C4225286, MONDO:0014688, OMIM 616546.
Joubert syndrome 23 (JBTS23). Identifiers: Orphanet 475, MedGen C4084822, MONDO:0014664, OMIM 616490.

Submissions (2):

Genetic Services Laboratory, University of Chicago
Classification: Likely pathogenic. Last evaluated: 2023-12-19. Review status: criteria provided, single submitter. Criteria: ACMG Guidelines, 2015. Collection method: clinical testing. Allele origin: germline. Affected: yes.
Comment: DNA sequence analysis of the KIAA0586 gene demonstrated a single base pair deletion in exon 18, c.2564del. This sequence change results in an amino acid frameshift and creates a premature stop codon 18 amino acids downstream of the change, p.Lys855Serfs*18. This sequence change is predicted to result in an abnormal transcript, which may be degraded, or may lead to the production of a truncated KIAA0586 protein with potentially abnormal function. While this sequence change has not previously been described in the literature, other truncating variants in the KIAA0586 gene have been described in individuals with KIAA0586-related disorders. This sequence change has been described in the gnomAD database with a frequency of 0.0004% in the overall population (dbSNP rs1566843312). Collectively, this evidence indicates that this sequence change is likely pathogenic, however functional studies have not been performed to prove this conclusively.

Labcorp Genetics (formerly Invitae), Labcorp
Classification: Pathogenic for Joubert syndrome 23; Short-rib thoracic dysplasia 14 with polydactyly. Last evaluated: 2023-08-02. Review status: criteria provided, single submitter. Criteria: Invitae Variant Classification Sherloc (09022015). Collection method: clinical testing. Allele origin: germline.
Comment: This variant is present in population databases (no rsID available, gnomAD 0.007%). This sequence change creates a premature translational stop signal (p.Lys855Serfs*18) in the KIAA0586 gene. It is expected to result in an absent or disrupted protein product. Loss-of-function variants in KIAA0586 are known to be pathogenic (PMID: 26096313, 26166481, 26386044). This variant has not been reported in the literature in individuals affected with KIAA0586-related conditions. For these reasons, this variant has been classified as Pathogenic.

Literature cited by the submitters: PubMed 26096313 (cited by Labcorp Genetics (formerly Invitae), Labcorp); PubMed 26166481 (cited by Labcorp Genetics (formerly Invitae), Labcorp); PubMed 26386044 (cited by Labcorp Genetics (formerly Invitae), Labcorp).

NM_001329943.3(KIAA0586):c.2405del (p.Lys802fs)

Gene: KIAA0586 (KIAA0586; plus strand). Cytogenetic location: 14q23.1.
Variant type: Deletion.
Coding change: c.2405del on transcript NM_001329943.3 (MANE Select); coding-DNA position 2405, one base deleted (A; older notation c.2405delA).
Protein change: p.Lys802fs; shifts the reading frame from lysine 802.
Molecular consequence: frameshift variant.
Genome position (GRCh38, 1-based): chr14:58,467,885, A deleted; the last of 2 consecutive A bases (chr14:58,467,884-58,467,885); deleting either gives the same sequence. VCF-style (leftmost placement, unchanged base first): chr14-58467883-GA-G. GRCh37 (hg19) VCF-style: chr14-58934601-GA-G.
Other names: c.2564del, p.Lys855fs (NM_001244189.2); c.2360del, p.Lys787fs (NM_001244190.2); c.2150del, p.Lys717fs (NM_001244191.2, NM_001329945.2, NM_001364700.1 and 1 more transcripts); c.2273del, p.Lys758fs (NM_001244192.2); c.1985del, p.Lys662fs (NM_001244193.2); c.2405del, p.Lys802fs (NM_001329944.2, NM_001329946.2, NM_001329947.2); c.2177del, p.Lys726fs (NM_014749.5); c.2564del (NM_001244189.1); short protein forms K662fs, K717fs, K726fs, K855fs, K758fs, K787fs, K802fs.
Identifiers: ClinVar variation 2928289 (VCV002928289.4), dbSNP rs1566843312, ClinGen allele CA614733467.
Genomic context (GRCh38, chr14:58,467,883, plus strand): 5'-TCCATCATCTCGAAAAGTAGAAACTGGAGTAAAGAAACCTAACATAGCCATTGTAGAAAT[GA>G]AGTCAGAAAAAAAGGATCCTCCTCAGCTTACTGTGCAGGTATGCCAGGGTGCATGAGTAG-3'